The following is an entry in ClinVar:

NM_002334.4(LRP4):c.2837C>G (p.Pro946Arg)

Gene: LRP4 (LDL receptor related protein 4; minus strand). Cytogenetic location: 11p11.2.
Variant type: single nucleotide variant.
Coding change: c.2837C>G on transcript NM_002334.4 (MANE Select); coding-DNA position 2837, C replaced by G.
Protein change: p.Pro946Arg; replaces proline 946 with arginine.
Molecular consequence: missense variant.
Genome position (GRCh38, 1-based): chr11:46,879,293, G>C on the plus strand (C>G on the coding strand, the complement: LRP4 is on the minus strand). VCF-style: chr11-46879293-G-C. GRCh37 (hg19) VCF-style: chr11-46900844-G-C.
Other names: short protein forms P946R.
Identifiers: ClinVar variation 968067 (VCV000968067.11), dbSNP rs368880157, ClinGen allele CA5969766.

ClinVar aggregate classification (germline): Uncertain significance. Review status: criteria provided, multiple submitters, no conflicts (2 of 4 stars). 2 submissions from 2 submitters: Uncertain significance (2). Last evaluated 2023-03-01.

Conditions:
Congenital myasthenic syndrome 17. Identifiers: Orphanet 590, MedGen C4225377, MONDO:0014578, OMIM 616304.
Cenani-Lenz syndactyly syndrome. Also called: SYNDACTYLY, TYPE VII; CENANI SYNDACTYLISM. Identifiers: Orphanet 3258, MedGen C1859309, MONDO:0008931, OMIM 212780.
Sclerosteosis 2 (SOST2). Identifiers: Orphanet 3152, MedGen C3280402, MONDO:0013679, OMIM 614305.
Inborn genetic diseases. Identifiers: MedGen C0950123, MeSH D030342.

Allele frequency attached by ClinVar (database versions not stated): ExAC 0.00001; gnomAD exomes 0.00001; gnomAD 0.00003 and 0.00004; TOPMed 0.00003; ESP Exome Variant Server 0.00008.
gnomAD v4.1: 46 of 1,614,062 alleles (0.0028%); highest among the groups gnomAD compares: Non-Finnish European, 0.0039%; no homozygotes.

Submissions (2):

Ambry Genetics
Classification: Uncertain significance for Inborn genetic diseases. Last evaluated: 2023-03-01. Review status: criteria provided, single submitter. Criteria: Ambry Variant Classification Scheme 2023. Collection method: clinical testing. Allele origin: germline.

Labcorp Genetics (formerly Invitae), Labcorp
Classification: Uncertain significance for Cenani-Lenz syndactyly syndrome; Sclerosteosis 2; Congenital myasthenic syndrome 17. Last evaluated: 2020-03-07. Review status: criteria provided, single submitter. Criteria: Invitae Variant Classification Sherloc (09022015). Collection method: clinical testing. Allele origin: germline.
Comment: This variant has not been reported in the literature in individuals with LRP4-related disease. Algorithms developed to predict the effect of missense changes on protein structure and function do not agree on the potential impact of this missense change (SIFT: "Deleterious"; PolyPhen-2: "Benign"; Align-GVGD: "Class C65"). In summary, the available evidence is currently insufficient to determine the role of this variant in disease. Therefore, it has been classified as a Variant of Uncertain Significance. This sequence change replaces proline with arginine at codon 946 of the LRP4 protein (p.Pro946Arg). The proline residue is highly conserved and there is a moderate physicochemical difference between proline and arginine. This variant is present in population databases (rs368880157, ExAC 0.002%).